The following is an entry in ClinVar:

NM_014208.3(DSPP):c.3682_3685del (p.Ser1228fs)

Genes: DMP1-AS1 (DMP1 and DSPP antisense RNA 1; minus strand), DSPP (dentin sialophosphoprotein; plus strand). Cytogenetic location: 4q22.1.
Variant type: Deletion.
Coding change: c.3682_3685del on transcript NM_014208.3 (MANE Select); coding-DNA positions 3682 to 3685, 4 bases deleted (AGCA; older notation c.3682_3685delAGCA).
Protein change: p.Ser1228fs; shifts the reading frame from serine 1228.
Molecular consequence: frameshift variant.
Genome position (GRCh38, 1-based): chr4:87,616,344-87,616,347, AGCA deleted. VCF-style (leftmost placement, unchanged base first): chr4-87616343-CAGCA-C. GRCh37 (hg19) VCF-style: chr4-88537495-CAGCA-C.
Other names: short protein forms S1228fs.
Identifiers: ClinVar variation 4082254 (VCV004082254.1).

ClinVar aggregate classification (germline): Pathogenic (1 of 4 stars; one submission).

Conditions:
Dentinogenesis imperfecta type 2 (DGI1). Also called: CAPDEPONT TEETH; OPALESCENT DENTIN; OPALESCENT TEETH WITHOUT OSTEOGENESIS IMPERFECTA; Dentinogenesis imperfecta without osteogenesis imperfecta; Hereditary Opalescent Dentin; Dentinogenesis imperfecta - Shield's type II. Identifiers: Orphanet 166260, MedGen C2973527, MONDO:0007441, OMIM 125490. Disease mechanism: loss of function.

Submission:

Reference Center For Rare Oral And Dental Diseases, CRMR O-Rares, Hôpitaux Universitaires De Strasbourg
Classification: Pathogenic for Dentinogenesis imperfecta type 2. Last evaluated: 2025-09-03. Review status: criteria provided, single submitter. Criteria: ACMG Guidelines, 2015. Collection method: clinical testing. Allele origin: inherited. Inheritance: Autosomal dominant inheritance. Affected: yes. Observed: 3 variant alleles.
Comment: PVS1, PM2, PP1, PP4 (5)

Literature cited by the submitters: PubMed 26502894.